The following is an entry in ClinVar:

NM_004360.5(CDH1):c.1320+35C>T

Gene: CDH1 (cadherin 1; plus strand). Cytogenetic location: 16q22.1.
Variant type: single nucleotide variant.
Coding change: c.1320+35C>T on transcript NM_004360.5 (MANE Select); 35 bases into the intron after coding-DNA position 1320, C replaced by T.
Molecular consequence: intron variant. On other transcripts: 5 prime UTR variant (1).
Genome position (GRCh38, 1-based): chr16:68,813,530, C>T. VCF-style: chr16-68813530-C-T. GRCh37 (hg19) VCF-style: chr16-68847433-C-T.
Other names: c.-261C>T (NM_001317185.2); c.-500+35C>T (NM_001317186.2); c.1137+1267C>T (NM_001317184.2).
Identifiers: ClinVar variation 2502948 (VCV002502948.1), dbSNP rs35423758, ClinGen allele CA8130039.
Genomic context (GRCh38, chr16:68,813,530, plus strand): 5'-ACGATGGCATTTTGAAAACAGCAAAGGTTTGTATGGTACCTGGCAAGATGCAGAAACTGG[C>T]ATCCTCACAGCTGTTCATACCCTTGTCCCCTGGTATCTTCTTAGAAGTAGATTCGCTTTG-3'

ClinVar aggregate classification (germline): Benign (1 of 4 stars; one submission).

Conditions:
Hereditary diffuse gastric adenocarcinoma (HDGC). Also called: DIFFUSE GASTRIC AND LOBULAR BREAST CANCER SYNDROME. Identifiers: Orphanet 26106, MedGen C1708349, MONDO:0007648, OMIM 137215.

Allele frequency attached by ClinVar (database versions not stated): gnomAD exomes 0.00006; ExAC 0.00026; gnomAD 0.00086; ESP Exome Variant Server 0.00092; TOPMed 0.00099; 1000 Genomes Project 30x 0.00141; 1000 Genomes Project 0.00160.
gnomAD v4.1: 223 of 1,594,692 alleles (0.014%); highest among the groups gnomAD compares: African/African-American, 0.28%; no homozygotes.

Submission:

European Reference Network on Genetic Tumour Risk Syndromes (ERN-GENTURIS), i3s - Instituto de Investigação e Inovação em Saúde, University of Porto
Classification: Benign for Hereditary diffuse gastric adenocarcinoma. Last evaluated: 2022-08-01. Review status: criteria provided, single submitter. Criteria: Lee et al. (Hum Mutat. 2018). Collection method: clinical testing. Allele origin: germline. Inheritance: Autosomal dominant inheritance. Affected: no. Study: ERN GENTURIS.
Comment: BA1 (PMID: 30311375)

Literature cited by the submitters: PubMed 36436516.